The following is an entry in ClinVar:

NM_001360016.2(G6PD):c.920A>C (p.Gln307Pro)

Gene: G6PD (glucose-6-phosphate dehydrogenase; minus strand). Cytogenetic location: Xq28.
Variant type: single nucleotide variant.
Coding change: c.920A>C on transcript NM_001360016.2 (MANE Select); coding-DNA position 920, A replaced by C.
Protein change: p.Gln307Pro; replaces glutamine 307 with proline.
Molecular consequence: missense variant.
Genome position (GRCh38, 1-based): chrX:154,533,073, T>G on the plus strand (A>C on the coding strand, the complement: G6PD is on the minus strand). VCF-style: chrX-154533073-T-G. GRCh37 (hg19) VCF-style: chrX-153761288-T-G.
Other names: G6PD Tunis; c.1010A>C, p.Gln337Pro (NM_000402.4); c.920A>C, p.Gln307Pro (NM_001042351.3); short protein forms Q307P, Q337P.
Identifiers: ClinVar variation 1722599 (VCV001722599.2), dbSNP rs2523264030, ClinGen allele CA415234749.

ClinVar aggregate classification (germline): Likely pathogenic (1 of 4 stars; one submission).

Conditions:
Anemia, nonspherocytic hemolytic, due to G6PD deficiency (CNSHA1). Also called: Hemolytic anemia due to G6PD deficiency; Class I glucose-6-phosphate dehydrogenase deficiency; Favism, susceptibility to; ANEMIA, CONGENITAL, NONSPHEROCYTIC HEMOLYTIC, 1. Identifiers: Orphanet 466026, MedGen C2720289, MONDO:0010480, OMIM 300908.

Submission:

Dunham Lab, University of Washington
Classification: Likely pathogenic for Anemia, nonspherocytic hemolytic, due to G6PD deficiency. Last evaluated: 2022-08-12. Review status: criteria provided, single submitter. Criteria: Bayesian ACMG Guidelines, 2018. Collection method: curation. Allele origin: unknown. Affected: yes.
Comment: Decreased activity in red blood cells of heterozygote (45%) (PS3). Not found in gnomAD (PM2). Post_P 0.949 (odds of pathogenicity 168.4, Prior_P 0.1).

Literature cited by the submitters: PubMed 22963789.